The following is an entry in ClinVar:

NM_002941.4(ROBO1):c.178C>T (p.Arg60Cys)

Gene: ROBO1 (roundabout guidance receptor 1; minus strand). Cytogenetic location: 3p12.3.
Variant type: single nucleotide variant.
Coding change: c.178C>T on transcript NM_002941.4 (MANE Select); coding-DNA position 178, C replaced by T.
Protein change: p.Arg60Cys; replaces arginine 60 with cysteine.
Molecular consequence: missense variant.
Genome position (GRCh38, 1-based): chr3:78,938,922, G>A on the plus strand (C>T on the coding strand, the complement: ROBO1 is on the minus strand). VCF-style: chr3-78938922-G-A. GRCh37 (hg19) VCF-style: chr3-78988072-G-A.
Other names: c.61C>T, p.Arg21Cys (NM_001145845.2, NM_133631.4); short protein forms R21C, R60C.
Identifiers: ClinVar variation 745781 (VCV000745781.7), dbSNP rs759462146, ClinGen allele CA2499307.

ClinVar aggregate classification (germline): Likely benign. Review status: criteria provided, single submitter (1 of 4 stars). 2 submissions from 2 submitters: Likely benign (1). 1 of the submissions does not count toward it. Last evaluated 2025-06-12.

Conditions:
ROBO1-related disorder. Also called: ROBO1-related condition.

Allele frequency attached by ClinVar (database versions not stated): gnomAD 0.00002; gnomAD exomes 0.00004 and 0.00021; TOPMed 0.00006; ExAC 0.00027.
gnomAD v4.1: 62 of 1,603,978 alleles (0.0039%); highest among the groups gnomAD compares: Admixed American, 0.087%; 2 homozygotes.

Submissions (2):

Labcorp Genetics (formerly Invitae), Labcorp
Classification: Likely benign. Last evaluated: 2025-06-12. Review status: criteria provided, single submitter. Criteria: Invitae Variant Classification Sherloc (09022015). Collection method: clinical testing. Allele origin: germline.

PreventionGenetics, part of Exact Sciences
Classification: Likely benign for ROBO1-related condition. Last evaluated: 2022-07-20. Review status: no assertion criteria provided. Collection method: clinical testing. Allele origin: germline. Not counted in ClinVar's aggregate classification.
Comment: This variant is classified as likely benign based on ACMG/AMP sequence variant interpretation guidelines (Richards et al. 2015 PMID: 25741868, with internal and published modifications).